The following is an entry in ClinVar:

NM_001041.4(SI):c.2029C>A (p.Gln677Lys)

Gene: SI (sucrase-isomaltase; minus strand). Cytogenetic location: 3q26.1.
Variant type: single nucleotide variant.
Coding change: c.2029C>A on transcript NM_001041.4 (MANE Select); coding-DNA position 2029, C replaced by A.
Protein change: p.Gln677Lys; replaces glutamine 677 with lysine.
Molecular consequence: missense variant.
Genome position (GRCh38, 1-based): chr3:165,041,070, G>T on the plus strand (C>A on the coding strand, the complement: SI is on the minus strand). VCF-style: chr3-165041070-G-T. GRCh37 (hg19) VCF-style: chr3-164758858-G-T.
Other names: c.2029C>A (NM_001041.3); short protein forms Q677K.
Identifiers: ClinVar variation 2979635 (VCV002979635.4), dbSNP rs760631982, ClinGen allele CA2690856.
Genomic context (GRCh38, chr3:165,041,070, plus strand): 5'-GTAATAAGGTGTAGCGAATAGTTAAATACTGCCTTGATGATTTAACCAAAAGTGAATTCT[G>T]CCCAAAAAATGCAGGATCCTGATGCTGTGAGATAGAAAGAGAAATTAAAATAAGAAAGCT-3'
Protein context (NP_001032.2, residues 667-687): YEHQDPAFFG[Gln677Lys]NSLLVKSSRQ

ClinVar aggregate classification (germline): Uncertain significance. Review status: criteria provided, multiple submitters, no conflicts (2 of 4 stars). 2 submissions from 2 submitters: Uncertain significance (2). Last evaluated 2025-12-22.

Conditions:
Inborn genetic diseases. Identifiers: MedGen C0950123, MeSH D030342.

Allele frequency attached by ClinVar (database versions not stated): TOPMed below 0.00001; gnomAD 0.00001; gnomAD exomes 0.00001; ExAC 0.00002.
gnomAD v4.1: 18 of 1,612,470 alleles (0.0011%); highest among the groups gnomAD compares: Non-Finnish European, 0.0015%; no homozygotes.

Submissions (2):

Ambry Genetics
Classification: Uncertain significance for Inborn genetic diseases. Last evaluated: 2025-12-22. Review status: criteria provided, single submitter. Criteria: Ambry Variant Classification Scheme 2023. Collection method: clinical testing. Allele origin: germline.

Labcorp Genetics (formerly Invitae), Labcorp
Classification: Uncertain significance. Last evaluated: 2025-09-06. Review status: criteria provided, single submitter. Criteria: Invitae Variant Classification Sherloc (09022015). Collection method: clinical testing. Allele origin: germline.
Comment: This sequence change replaces glutamine, which is neutral and polar, with lysine, which is basic and polar, at codon 677 of the SI protein (p.Gln677Lys). This variant is present in population databases (rs760631982, gnomAD 0.003%). This variant has not been reported in the literature in individuals affected with SI-related conditions. ClinVar contains an entry for this variant (Variation ID: 2979635). Invitae Evidence Modeling of protein sequence and biophysical properties (such as structural, functional, and spatial information, amino acid conservation, physicochemical variation, residue mobility, and thermodynamic stability) indicates that this missense variant is not expected to disrupt SI protein function with a negative predictive value of 95%. In summary, the available evidence is currently insufficient to determine the role of this variant in disease. Therefore, it has been classified as a Variant of Uncertain Significance.